The following is an entry in ClinVar:

ClinVar aggregate classification (germline): Uncertain significance (1 of 4 stars; one submission).

Allele frequency attached by ClinVar (database versions not stated): ExAC 0.00016.
gnomAD v4.1: 221 of 1,600,768 alleles (0.014%); highest among the groups gnomAD compares: Non-Finnish European, 0.017%; 1 homozygote.

Submission:

Labcorp Genetics (formerly Invitae), Labcorp
Classification: Uncertain significance. Last evaluated: 2023-06-09. Review status: criteria provided, single submitter. Criteria: Invitae Variant Classification Sherloc (09022015). Collection method: clinical testing. Allele origin: germline.
Comment: This sequence change replaces aspartic acid, which is acidic and polar, with asparagine, which is neutral and polar, at codon 884 of the LRRK1 protein (p.Asp884Asn). This variant is present in population databases (rs758457191, gnomAD 0.007%). This variant has not been reported in the literature in individuals affected with LRRK1-related conditions. ClinVar contains an entry for this variant (Variation ID: 2166378). An algorithm developed to predict the effect of missense changes on protein structure and function (PolyPhen-2) suggests that this variant¬†is likely to be tolerated. In summary, the available evidence is currently insufficient to determine the role of this variant in disease. Therefore, it has been classified as a Variant of Uncertain Significance.

NM_024652.6(LRRK1):c.2650G>A (p.Asp884Asn)

Genes: LRRK1 (leucine rich repeat kinase 1; plus strand), LOC126862255 (CDK7 strongly-dependent group 2 enhancer GRCh37_chr15:101567313-101568512; plus strand). Cytogenetic location: 15q26.3.
Variant type: single nucleotide variant.
Coding change: c.2650G>A on transcript NM_024652.6 (MANE Select); coding-DNA position 2650, G replaced by A.
Protein change: p.Asp884Asn; replaces aspartic acid 884 with asparagine.
Molecular consequence: missense variant.
Genome position (GRCh38, 1-based): chr15:101,027,761, G>A. VCF-style: chr15-101027761-G-A. GRCh37 (hg19) VCF-style: chr15-101567966-G-A.
Other names: short protein forms D884N.
Identifiers: ClinVar variation 2166378 (VCV002166378.3), dbSNP rs758457191, ClinGen allele CA7761311.